The following is an entry in ClinVar:

ClinVar aggregate classification (germline): Uncertain significance (1 of 4 stars; one submission).

Conditions:
Hypertrophic cardiomyopathy 11. Also called: ACTC1-Related Familial Hypertrophic Cardiomyopathy. Identifiers: MedGen C2677506, MONDO:0012799, OMIM 612098.
Dilated cardiomyopathy 1R (CMD1R). Identifiers: Orphanet 154, Orphanet 54260, MedGen C3150681, MONDO:0013261, OMIM 613424.
Atrial septal defect 5 (ASD5). Identifiers: Orphanet 1478, MedGen C2748552, MONDO:0013011, OMIM 612794.

Submission:

Labcorp Genetics (formerly Invitae), Labcorp
Classification: Uncertain significance for Dilated cardiomyopathy 1R; Hypertrophic cardiomyopathy 11; Atrial septal defect 5. Last evaluated: 2023-08-16. Review status: criteria provided, single submitter. Criteria: Invitae Variant Classification Sherloc (09022015). Collection method: clinical testing. Allele origin: germline.
Comment: In summary, the available evidence is currently insufficient to determine the role of this variant in disease. Therefore, it has been classified as a Variant of Uncertain Significance. Advanced modeling of protein sequence and biophysical properties (such as structural, functional, and spatial information, amino acid conservation, physicochemical variation, residue mobility, and thermodynamic stability) performed at Invitae indicates that this missense variant is not expected to disrupt ACTC1 protein function. This missense change has been observed in individual(s) with dilated cardiomyopathy (PMID: 32880476). This variant is not present in population databases (gnomAD no frequency). This sequence change replaces methionine, which is neutral and non-polar, with isoleucine, which is neutral and non-polar, at codon 271 of the ACTC1 protein (p.Met271Ile).

Literature cited by the submitters: PubMed 32880476.

NM_005159.5(ACTC1):c.813G>T (p.Met271Ile)

Genes: ACTC1 (actin alpha cardiac muscle 1; minus strand), GJD2-DT (GJD2 divergent transcript; plus strand). Cytogenetic location: 15q14.
Variant type: single nucleotide variant.
Coding change: c.813G>T on transcript NM_005159.5 (MANE Select); coding-DNA position 813, G replaced by T.
Protein change: p.Met271Ile; replaces methionine 271 with isoleucine.
Molecular consequence: missense variant.
Genome position (GRCh38, 1-based): chr15:34,791,291, C>A on the plus strand (G>T on the coding strand, the complement: ACTC1 is on the minus strand). VCF-style: chr15-34791291-C-A. GRCh37 (hg19) VCF-style: chr15-35083492-C-A.
Other names: c.813G>T, p.Met271Ile (NM_001406482.1, NM_001406483.1); c.678G>T, p.Met226Ile (NM_001406484.1); c.372G>T, p.Met124Ile (NM_001406485.1); short protein forms M124I, M226I, M271I.
Identifiers: ClinVar variation 2944417 (VCV002944417.3), dbSNP rs1891698673, ClinGen allele CA391629664.